The following is an entry in ClinVar:

ClinVar aggregate classification (germline): Benign/Likely benign. Review status: criteria provided, multiple submitters, no conflicts (2 of 4 stars). 3 submissions from 3 submitters: Benign (1); Likely benign (2). Last evaluated 2025-04-13.

Conditions:
Hereditary nonpolyposis colorectal neoplasms. Identifiers: MedGen C0009405, MeSH D003123.
Hereditary cancer-predisposing syndrome. Also called: Neoplastic Syndromes, Hereditary; Tumor predisposition; Hereditary Cancer Syndrome; Hereditary neoplastic syndrome. Identifiers: Orphanet 140162, MedGen C0027672, MeSH D009386, MONDO:0015356.
Lynch syndrome 5 (LYNCH5). Also called: Colorectal cancer, hereditary nonpolyposis, type 5; Hereditary non-polyposis colorectal cancer, type 5. Identifiers: Orphanet 144, MedGen C1833477, MONDO:0013710, OMIM 614350. Disease mechanism: loss of function.

Submissions (3):

Labcorp Genetics (formerly Invitae), Labcorp
Classification: Likely benign for Hereditary nonpolyposis colorectal neoplasms. Last evaluated: 2025-04-13. Review status: criteria provided, single submitter. Criteria: Invitae Variant Classification Sherloc (09022015). Collection method: clinical testing. Allele origin: germline.

Myriad Genetics, Inc.
Classification: Benign for Lynch syndrome 5. Last evaluated: 2024-12-27. Review status: criteria provided, single submitter. Criteria: Myriad Autosomal Dominant, Autosomal Recessive and X-Linked Classification Criteria (2023). Collection method: clinical testing. Allele origin: unknown.
Comment: This variant is considered benign. This variant is a silent/synonymous amino acid change and it is not expected to impact splicing.

Color Diagnostics, LLC DBA Color Health
Classification: Likely benign for Hereditary cancer-predisposing syndrome. Last evaluated: 2019-01-08. Review status: criteria provided, single submitter. Criteria: ACMG Guidelines, 2015. Collection method: clinical testing. Allele origin: germline.

NM_000179.3(MSH6):c.1722A>T (p.Ser574=)

Gene: MSH6 (mutS homolog 6; plus strand). Cytogenetic location: 2p16.3.
Variant type: single nucleotide variant.
Coding change: c.1722A>T on transcript NM_000179.3 (MANE Select); coding-DNA position 1722, A replaced by T.
Protein change: p.Ser574=; no amino-acid change (serine 574 retained).
Molecular consequence: synonymous variant.
Genome position (GRCh38, 1-based): chr2:47,799,705, A>T. VCF-style: chr2-47799705-A-T. GRCh37 (hg19) VCF-style: chr2-48026844-A-T.
Other names: c.1332A>T, p.Ser444= (NM_001281492.2); c.816A>T, p.Ser272= (NM_001281493.2, NM_001281494.2).
Identifiers: ClinVar variation 525927 (VCV000525927.12), dbSNP rs1553413102, ClinGen allele CA426120998.
Genomic context (GRCh38, chr2:47,799,705, plus strand): 5'-TGCATATGGTGTGTGCTTTGTTGATACTTCACTGGGAAAGTTTTTCATAGGTCAGTTTTC[A>T]GATGATCGCCATTGTTCGAGATTTAGGACTCTAGTGGCACACTATCCCCCAGTACAAGTT-3'
Protein context (NP_000170.1, residues 564-584): SLGKFFIGQF[Ser574=]DDRHCSRFRT